The following is an entry in ClinVar:

ClinVar aggregate classification (germline): Likely benign (0 of 4 stars; one submission).

Conditions:
DNAH17-related disorder. Also called: DNAH17-related condition.

Allele frequency attached by ClinVar (database versions not stated): gnomAD exomes 0.00006; gnomAD 0.00008; TOPMed 0.00019; 1000 Genomes Project 30x 0.00031; ExAC 0.00033; 1000 Genomes Project 0.00040.
gnomAD v4.1: 101 of 1,613,890 alleles (0.0063%); highest among the groups gnomAD compares: East Asian, 0.19%; no homozygotes.

Submission:

PreventionGenetics, part of Exact Sciences
Classification: Likely benign for DNAH17-related condition. Last evaluated: 2019-03-29. Review status: no assertion criteria provided. Collection method: clinical testing. Allele origin: germline.
Comment: This variant is classified as likely benign based on ACMG/AMP sequence variant interpretation guidelines (Richards et al. 2015 PMID: 25741868, with internal and published modifications).

NM_173628.4(DNAH17):c.393C>G (p.Pro131=)

Gene: DNAH17 (dynein axonemal heavy chain 17; minus strand). Cytogenetic location: 17q25.3.
Variant type: single nucleotide variant.
Coding change: c.393C>G on transcript NM_173628.4 (MANE Select); coding-DNA position 393, C replaced by G.
Protein change: p.Pro131=; no amino-acid change (proline 131 retained).
Molecular consequence: synonymous variant.
Genome position (GRCh38, 1-based): chr17:78,572,847, G>C on the plus strand (C>G on the coding strand, the complement: DNAH17 is on the minus strand). VCF-style: chr17-78572847-G-C. GRCh37 (hg19) VCF-style: chr17-76568929-G-C.
Identifiers: ClinVar variation 3048510 (VCV003048510.2), dbSNP rs531238451, ClinGen allele CA8805654.